The following is an entry in ClinVar:

NM_007294.4(BRCA1):c.5506G>C (p.Glu1836Gln)

Gene: BRCA1 (BRCA1 DNA repair associated; minus strand). Cytogenetic location: 17q21.31.
Variant type: single nucleotide variant.
Coding change: c.5506G>C on transcript NM_007294.4 (MANE Select); coding-DNA position 5506, G replaced by C.
Protein change: p.Glu1836Gln; replaces glutamic acid 1836 with glutamine.
Molecular consequence: missense variant. On other transcripts: 3 prime UTR variant (1), non-coding transcript variant (1).
Genome position (GRCh38, 1-based): chr17:43,045,764, C>G on the plus strand (G>C on the coding strand, the complement: BRCA1 is on the minus strand). VCF-style: chr17-43045764-C-G. GRCh37 (hg19) VCF-style: chr17-41197781-C-G.
Other names: c.2071G>C, p.Glu691Gln (NM_001408436.1, NM_001408437.1, NM_001408438.1 and 10 more transcripts); c.2068G>C, p.Glu690Gln (NM_001408445.1, NM_001408446.1, NM_001408447.1 and 2 more transcripts); c.5365G>C, p.Glu1789Gln (NM_001407695.1, NM_001407696.1, NM_001407697.1 and 12 more transcripts); c.5503G>C, p.Glu1835Gln (NM_001407615.1, NM_001407616.1, NM_001407617.1 and 14 more transcripts); c.5500G>C, p.Glu1834Gln (NM_001407634.1, NM_001407635.1, NM_001407636.1 and 13 more transcripts); c.5497G>C, p.Glu1833Gln (NM_001407644.1, NM_001407645.1); c.5425G>C, p.Glu1809Gln (NM_001407656.1, NM_001407657.1, NM_001407658.1); c.5422G>C, p.Glu1808Gln (NM_001407659.1, NM_001407660.1, NM_001407661.1 and 2 more transcripts); and 74 more; short protein forms E1857Q, E1789Q, E1836Q, E732Q, E1682Q, E1724Q, E1747Q, E1748Q.
Identifiers: ClinVar variation 867610 (VCV000867610.3), dbSNP rs80356942, ClinGen allele CA10590303.

Conditions:
Breast-ovarian cancer, familial, susceptibility to, 1 (BROVCA1). Also called: BRCA1 Hereditary Breast and Ovarian Cancer; OVARIAN CANCER, SUSCEPTIBILITY TO. Identifiers: Orphanet 145, MedGen C2676676, MONDO:0011450, OMIM 604370. Disease mechanism: loss of function.

Submission:

Brotman Baty Institute, University of Washington
No classification provided (evidence only). Condition: Breast-ovarian cancer, familial 1. Review status: no classification provided. Collection method: in vitro. Allele origin: not applicable. Functional consequence: functionally_normal.
ClinVar note: "not provided" was previously submitted as the classification for the variant. However, the classification appeared to be based only on an observation of functional data so it was converted to no classification on 2025-07-30.